The following is an entry in ClinVar:

NM_022787.4(NMNAT1):c.733C>T (p.Gln245Ter)

Gene: NMNAT1 (nicotinamide nucleotide adenylyltransferase 1; plus strand). Cytogenetic location: 1p36.22.
Variant type: single nucleotide variant.
Coding change: c.733C>T on transcript NM_022787.4 (MANE Select); coding-DNA position 733, C replaced by T.
Protein change: p.Gln245Ter; replaces glutamine 245 with a stop codon.
Molecular consequence: nonsense.
Genome position (GRCh38, 1-based): chr1:9,982,594, C>T. VCF-style: chr1-9982594-C-T. GRCh37 (hg19) VCF-style: chr1-10042652-C-T.
Other names: c.733C>T, p.Gln245Ter (NM_001297778.1); short protein forms Q245*.
Identifiers: ClinVar variation 5007368 (VCV005007368.2).

ClinVar aggregate classification (germline): Uncertain significance (1 of 4 stars; one submission).

Conditions:
Leber congenital amaurosis 9 (LCA9). Also called: LCA9 Leber Congenital Amaurosis; LCA 9; Amaurosis congenita of Leber, type 9. Identifiers: Orphanet 65, MedGen C1837873, MONDO:0012056, OMIM 608553.
Spondyloepiphyseal dysplasia, sensorineural hearing loss, impaired intellectual development, and leber congenital amaurosis. Also called: SHILCA SYNDROME. Identifiers: Orphanet 611207, MedGen C5543257, MONDO:0031007, OMIM 619260.

Submission:

Juno Genomics, Hangzhou Juno Genomics, Inc
Classification: Uncertain significance for Leber congenital amaurosis 9; Spondyloepiphyseal dysplasia, sensorineural hearing loss, impaired intellectual development, and leber congenital amaurosis. Review status: criteria provided, single submitter. Criteria: ACMG Guidelines, 2015. Collection method: clinical testing. Allele origin: germline.
Comment: Null variant in a gene where loss of function (LOF) is a known mechanism of disease.;Absent from controls (or at extremely low frequency if recessive) in Genome Aggregation Database.